The following is an entry in ClinVar:

NM_024422.6(DSC2):c.1994A>G (p.Asp665Gly)

Gene: DSC2 (desmocollin 2; minus strand). Cytogenetic location: 18q12.1.
Variant type: single nucleotide variant.
Coding change: c.1994A>G on transcript NM_024422.6 (MANE Select); coding-DNA position 1994, A replaced by G.
Protein change: p.Asp665Gly; replaces aspartic acid 665 with glycine.
Molecular consequence: missense variant.
Genome position (GRCh38, 1-based): chr18:31,071,736, T>C on the plus strand (A>G on the coding strand, the complement: DSC2 is on the minus strand). VCF-style: chr18-31071736-T-C. GRCh37 (hg19) VCF-style: chr18-28651702-T-C.
Other names: c.1994A>G, p.Asp665Gly (NM_004949.5); short protein forms D665G.
Identifiers: ClinVar variation 626836 (VCV000626836.22), dbSNP rs778236763, ClinGen allele CA034213.

ClinVar aggregate classification (germline): Uncertain significance. Review status: criteria provided, multiple submitters, no conflicts (2 of 4 stars). 6 submissions from 6 submitters: Uncertain significance (6). Last evaluated 2025-09-17.

Conditions:
Arrhythmogenic right ventricular dysplasia 11. Also called: Arrhythmogenic Right Ventricular Dysplasia/Cardiomyopathy11; ARRHYTHMOGENIC RIGHT VENTRICULAR DYSPLASIA, FAMILIAL, 11; Arrhythmogenic right ventricular dysplasia 11 with mild palmoplantar keratoderma and woolly hair. Identifiers: MedGen C1864850, MONDO:0012506, OMIM 610476.
Cardiovascular phenotype. Identifiers: MedGen CN230736.
Familial isolated arrhythmogenic right ventricular dysplasia. Identifiers: Orphanet 217656, MedGen C4274968, MONDO:0016342.
Cardiomyopathy (CMYO). Also called: Cardiomyopathies. Identifiers: Orphanet 167848, MedGen C0878544, MONDO:0004994, HP:0001638. Inheritance: Various modes of inheritance.

Allele frequency attached by ClinVar (database versions not stated): gnomAD exomes below 0.00001; ExAC 0.00001; TOPMed 0.00001.
gnomAD v4.1: 6 of 1,613,936 alleles (0.00037%); highest among the groups gnomAD compares: East Asian, 0.0045%; no homozygotes.

Submissions (6):

Ambry Genetics
Classification: Uncertain significance for Cardiovascular phenotype. Last evaluated: 2025-09-17. Review status: criteria provided, single submitter. Criteria: Ambry Variant Classification Scheme 2023. Collection method: clinical testing. Allele origin: germline.
Comment: The p.D665G variant (also known as c.1994A>G), located in coding exon 13 of the DSC2 gene, results from an A to G substitution at nucleotide position 1994. The aspartic acid at codon 665 is replaced by glycine, an amino acid with similar properties. This amino acid position is conserved. In addition, this alteration is predicted to be tolerated by in silico analysis. Since supporting evidence is limited at this time, the clinical significance of this alteration remains unclear.

Labcorp Genetics (formerly Invitae), Labcorp
Classification: Uncertain significance for Arrhythmogenic right ventricular dysplasia 11. Last evaluated: 2025-05-11. Review status: criteria provided, single submitter. Criteria: Invitae Variant Classification Sherloc (09022015). Collection method: clinical testing. Allele origin: germline.
Comment: This sequence change replaces aspartic acid, which is acidic and polar, with glycine, which is neutral and non-polar, at codon 665 of the DSC2 protein (p.Asp665Gly). This variant is present in population databases (rs778236763, gnomAD no frequency). This variant has not been reported in the literature in individuals affected with DSC2-related conditions. ClinVar contains an entry for this variant (Variation ID: 626836). Invitae Evidence Modeling of protein sequence and biophysical properties (such as structural, functional, and spatial information, amino acid conservation, physicochemical variation, residue mobility, and thermodynamic stability) indicates that this missense variant is not expected to disrupt DSC2 protein function with a negative predictive value of 80%. In summary, the available evidence is currently insufficient to determine the role of this variant in disease. Therefore, it has been classified as a Variant of Uncertain Significance.

All of Us Research Program, National Institutes of Health
Classification: Uncertain significance for Familial isolated arrhythmogenic right ventricular dysplasia. Last evaluated: 2024-06-11. Review status: criteria provided, single submitter. Criteria: ACMG Guidelines, 2015. Collection method: clinical testing. Allele origin: germline. Inheritance: Autosomal dominant inheritance. Observed: 6 variant alleles, 6 heterozygotes.
Comment: This missense variant replaces aspartic acid with glycine at codon 665 of the DSC2 protein. Computational prediction suggests that this variant may not impact protein structure and function (internally defined REVEL score threshold <= 0.5, PMID: 27666373). To our knowledge, functional studies have not been reported for this variant. This variant has not been reported in individuals affected with cardiovascular disorders in the literature. This variant has been identified in 1/250528 chromosomes in the general population by the Genome Aggregation Database (gnomAD). The available evidence is insufficient to determine the role of this variant in disease conclusively. Therefore, this variant is classified as a Variant of Uncertain Significance.

This study involves interpretation of variants in research participants for the purpose of population health screening. Participant phenotype was not available at the time of variant classification. Additional details can be found in publication PMID: 35346344, PMCID: PMC8962531

Color Diagnostics, LLC DBA Color Health
Classification: Uncertain significance for Cardiomyopathy. Last evaluated: 2024-03-06. Review status: criteria provided, single submitter. Criteria: ACMG Guidelines, 2015. Collection method: clinical testing. Allele origin: germline.
Comment: This missense variant replaces aspartic acid with glycine at codon 665 of the DSC2 protein. Computational prediction suggests that this variant may not impact protein structure and function (internally defined REVEL score threshold <= 0.5, PMID: 27666373). To our knowledge, functional studies have not been reported for this variant. This variant has not been reported in individuals affected with cardiovascular disorders in the literature. This variant has been identified in 1/250528 chromosomes in the general population by the Genome Aggregation Database (gnomAD). The available evidence is insufficient to determine the role of this variant in disease conclusively. Therefore, this variant is classified as a Variant of Uncertain Significance.

Blueprint Genetics
Classification: Uncertain significance. Last evaluated: 2020-12-03. Review status: criteria provided, single submitter. Criteria: ACMG Guidelines, 2015. Collection method: clinical testing. Allele origin: germline.

CHEO Genetics Diagnostic Laboratory, Children's Hospital of Eastern Ontario
Classification: Uncertain significance for Cardiomyopathy. Last evaluated: 2017-03-20. Review status: criteria provided, single submitter. Criteria: ACMG Guidelines, 2015. Collection method: clinical testing. Allele origin: germline. Study: Canadian Open Genetics Repository.